The following is an entry in ClinVar:

ClinVar aggregate classification (germline): Uncertain significance. Review status: criteria provided, multiple submitters, no conflicts (2 of 4 stars). 2 submissions from 2 submitters: Uncertain significance (2). Last evaluated 2023-05-23.

Conditions:
Inborn genetic diseases. Identifiers: MedGen C0950123, MeSH D030342.

Allele frequency attached by ClinVar (database versions not stated): ExAC 0.00006.
gnomAD v4.1: 76 of 1,613,584 alleles (0.0047%); highest among the groups gnomAD compares: Middle Eastern, 0.066%; no homozygotes.

Submissions (2):

Ambry Genetics
Classification: Uncertain significance for Inborn genetic diseases. Last evaluated: 2023-05-23. Review status: criteria provided, single submitter. Criteria: Ambry Variant Classification Scheme 2023. Collection method: clinical testing. Allele origin: germline.

Labcorp Genetics (formerly Invitae), Labcorp
Classification: Uncertain significance. Last evaluated: 2022-07-12. Review status: criteria provided, single submitter. Criteria: Invitae Variant Classification Sherloc (09022015). Collection method: clinical testing. Allele origin: germline.
Comment: This sequence change replaces valine, which is neutral and non-polar, with aspartic acid, which is acidic and polar, at codon 668 of the C6 protein (p.Val668Asp). This variant is present in population databases (rs763461505, gnomAD 0.01%). This variant has not been reported in the literature in individuals affected with C6-related conditions. ClinVar contains an entry for this variant (Variation ID: 1402720). Algorithms developed to predict the effect of missense changes on protein structure and function are either unavailable or do not agree on the potential impact of this missense change (SIFT: "Deleterious"; PolyPhen-2: "Possibly Damaging"; Align-GVGD: "Class C0"). In summary, the available evidence is currently insufficient to determine the role of this variant in disease. Therefore, it has been classified as a Variant of Uncertain Significance.

NM_000065.5(C6):c.2003T>A (p.Val668Asp)

Gene: C6 (complement C6; minus strand). Cytogenetic location: 5p13.1.
Variant type: single nucleotide variant.
Coding change: c.2003T>A on transcript NM_000065.5 (MANE Select); coding-DNA position 2003, T replaced by A.
Protein change: p.Val668Asp; replaces valine 668 with aspartic acid.
Molecular consequence: missense variant.
Genome position (GRCh38, 1-based): chr5:41,155,070, A>T on the plus strand (T>A on the coding strand, the complement: C6 is on the minus strand). VCF-style: chr5-41155070-A-T. GRCh37 (hg19) VCF-style: chr5-41155172-A-T.
Other names: c.2003T>A, p.Val668Asp (NM_001115131.4); c.2003T>A (NM_000065.2); short protein forms V668D.
Identifiers: ClinVar variation 1402720 (VCV001402720.4), dbSNP rs763461505, ClinGen allele CA3252240.